The following is an entry in ClinVar:

ClinVar aggregate classification (germline): Benign/Likely benign. Review status: criteria provided, multiple submitters, no conflicts (2 of 4 stars). 3 submissions from 3 submitters: Benign (1); Likely benign (1). 1 of the submissions does not count toward it. Last evaluated 2026-01-26.

Conditions:
FOCAD-related disorder. Also called: FOCAD-related condition.

Allele frequency attached by ClinVar (database versions not stated): ExAC 0.00125; 1000 Genomes Project 30x 0.00297; 1000 Genomes Project 0.00300; gnomAD 0.00376; TOPMed 0.00425; ESP Exome Variant Server 0.00454.
gnomAD v4.1: 1,146 of 1,614,110 alleles (0.071%); highest among the groups gnomAD compares: African/African-American, 1.3%; 6 homozygotes.

Submissions (3):

Labcorp Genetics (formerly Invitae), Labcorp
Classification: Benign. Last evaluated: 2026-01-26. Review status: criteria provided, single submitter. Criteria: Invitae Variant Classification Sherloc (09022015). Collection method: clinical testing. Allele origin: germline.

CeGaT Center for Human Genetics Tuebingen
Classification: Likely benign. Last evaluated: 2025-08-01. Review status: criteria provided, single submitter. Criteria: CeGaT Center For Human Genetics Tuebingen Variant Classification Criteria Version 2. Collection method: clinical testing. Allele origin: germline. Affected: yes. Observed: 1 variant allele.
Comment: FOCAD: BP4, BP7, BS1

PreventionGenetics, part of Exact Sciences
Classification: Benign for FOCAD-related condition. Last evaluated: 2020-02-24. Review status: no assertion criteria provided. Collection method: clinical testing. Allele origin: germline. Not counted in ClinVar's aggregate classification.
Comment: This variant is classified as benign based on ACMG/AMP sequence variant interpretation guidelines (Richards et al. 2015 PMID: 25741868, with internal and published modifications).

NM_001375567.1(FOCAD):c.543G>C (p.Leu181=)

Gene: FOCAD (focadhesin; plus strand). Cytogenetic location: 9p21.3.
Variant type: single nucleotide variant.
Coding change: c.543G>C on transcript NM_001375567.1 (MANE Select); coding-DNA position 543, G replaced by C.
Protein change: p.Leu181=; no amino-acid change (leucine 181 retained).
Molecular consequence: synonymous variant.
Genome position (GRCh38, 1-based): chr9:20,764,917, G>C. VCF-style: chr9-20764917-G-C. GRCh37 (hg19) VCF-style: chr9-20764916-G-C.
Other names: c.543G>C (NM_017794.4); c.543G>C, p.Leu181= (NM_001375568.1, NM_017794.5); c.438G>C, p.Leu146= (NM_001375570.1).
Identifiers: ClinVar variation 2786889 (VCV002786889.13), dbSNP rs149130519, ClinGen allele CA5006398.